The following is an entry in ClinVar:

ClinVar aggregate classification (germline): Likely benign (1 of 4 stars; one submission).

Conditions:
Gastrointestinal stromal tumor. Also called: Gastrointestinal stromal tumor, somatic; Gastrointestinal stroma tumor. Identifiers: Orphanet 44890, MedGen C0238198, MeSH D046152, MONDO:0011719, OMIM 606764, HP:0100723.

gnomAD v4.1: 1 of 1,486,756 alleles (0.000067%); highest among the groups gnomAD compares: African/African-American, 0.0014%; no homozygotes.

Submission:

Myriad Genetics, Inc.
Classification: Likely benign for Gastrointestinal stromal tumor. Last evaluated: 2026-05-27. Review status: criteria provided, single submitter. Criteria: Myriad Autosomal Dominant, Autosomal Recessive and X-Linked Classification Criteria (2023). Collection method: clinical testing. Allele origin: unknown.
Comment: This variant is considered likely benign. This variant is intronic and is not expected to impact mRNA splicing.

NM_000222.3(KIT):c.1231+10A>C

Gene: KIT (KIT proto-oncogene, receptor tyrosine kinase; plus strand). Cytogenetic location: 4q12.
Variant type: single nucleotide variant.
Coding change: c.1231+10A>C on transcript NM_000222.3 (MANE Select); 10 bases into the intron after coding-DNA position 1231, A replaced by C.
Molecular consequence: intron variant.
Genome position (GRCh38, 1-based): chr4:54,709,549, A>C. VCF-style: chr4-54709549-A-C. GRCh37 (hg19) VCF-style: chr4-55575715-A-C.
Other names: c.1234+10A>C (NM_001385284.1, NM_001385290.1, NM_001385288.1 and 1 more transcripts); c.1231+10A>C (NM_001385285.1, NM_001093772.2, NM_001385286.1).
Identifiers: ClinVar variation 4876033 (VCV004876033.1).